The following is an entry in ClinVar:

ClinVar aggregate classification (germline): Uncertain significance (1 of 4 stars; one submission).

Conditions:
Cernunnos-XLF deficiency (IMD124). Also called: Severe combined immunodeficiency with sensitivity to ionizing radiation due to NHEJ1 deficiency; SCID, autosomal recessive, T cell-negative, B cell-negative, NK cell-positive, and sensitivity to ionizing radiation due to NHEJ1 deficiency; IMMUNODEFICIENCY 124, SEVERE COMBINED; SCID, AUTOSOMAL RECESSIVE, T CELL-NEGATIVE, B CELL-NEGATIVE, NK CELL-POSITIVE, WITH MICROCEPHALY, GROWTH RETARDATION, AND SENSITIVITY TO IONIZING RADIATION; NHEJ1 SYNDROME. Identifiers: Orphanet 169079, MedGen C1969799, MONDO:0012650, OMIM 611291.

Allele frequency attached by ClinVar (database versions not stated): gnomAD exomes below 0.00001 and 0.00001; ExAC 0.00001; ESP Exome Variant Server 0.00008.
gnomAD v4.1: 1 of 1,606,280 alleles (0.000062%); highest among the groups gnomAD compares: Non-Finnish European, 0.000085%; no homozygotes.

Submission:

Labcorp Genetics (formerly Invitae), Labcorp
Classification: Uncertain significance for Cernunnos-XLF deficiency. Last evaluated: 2020-09-07. Review status: criteria provided, single submitter. Criteria: Invitae Variant Classification Sherloc (09022015). Collection method: clinical testing. Allele origin: germline.
Comment: In summary, the available evidence is currently insufficient to determine the role of this variant in disease. Therefore, it has been classified as a Variant of Uncertain Significance. Nucleotide substitutions within the consensus splice site are a relatively common cause of aberrant splicing (PMID: 17576681, 9536098). Algorithms developed to predict the effect of sequence changes on RNA splicing suggest that this variant may disrupt the consensus splice site, but this prediction has not been confirmed by published transcriptional studies. This variant has not been reported in the literature in individuals with NHEJ1-related conditions. This variant is present in population databases (rs369012414, ExAC 0.001%). This sequence change falls in intron 5 of the NHEJ1 gene. It does not directly change the encoded amino acid sequence of the NHEJ1 protein, but it affects a nucleotide within the consensus splice site of the intron.

Literature cited by the submitters: PubMed 17576681; PubMed 9536098.

NM_024782.3(NHEJ1):c.588+5G>A

Gene: NHEJ1 (non-homologous end joining factor 1; minus strand). Cytogenetic location: 2q35.
Variant type: single nucleotide variant.
Coding change: c.588+5G>A on transcript NM_024782.3 (MANE Select); 5 bases into the intron after coding-DNA position 588, G replaced by A.
Molecular consequence: intron variant.
Genome position (GRCh38, 1-based): chr2:219,146,675, C>T on the plus strand (G>A on the coding strand, the complement: NHEJ1 is on the minus strand). VCF-style: chr2-219146675-C-T. GRCh37 (hg19) VCF-style: chr2-220011397-C-T.
Other names: c.588+5G>A (NM_001377499.1, NM_001377498.1).
Identifiers: ClinVar variation 1038158 (VCV001038158.5), dbSNP rs369012414, ClinGen allele CA2116938.